The following is an entry in ClinVar:

ClinVar aggregate classification (germline): Uncertain significance (1 of 4 stars; one submission).

Conditions:
Hereditary cancer-predisposing syndrome. Also called: Neoplastic Syndromes, Hereditary; Tumor predisposition; Hereditary Cancer Syndrome; Hereditary neoplastic syndrome. Identifiers: Orphanet 140162, MedGen C0027672, MeSH D009386, MONDO:0015356.

gnomAD v4.1: 2 of 1,612,210 alleles (0.00012%); highest among the groups gnomAD compares: Non-Finnish European, 0.00017%; no homozygotes.

Submission:

Ambry Genetics
Classification: Uncertain significance for Hereditary cancer-predisposing syndrome. Last evaluated: 2026-03-29. Review status: criteria provided, single submitter. Criteria: Ambry Variant Classification Scheme 2023. Collection method: clinical testing. Allele origin: germline.
Comment: The p.Y1381S variant (also known as c.4142A>C), located in coding exon 32 of the POLE gene, results from an A to C substitution at nucleotide position 4142. The tyrosine at codon 1381 is replaced by serine, an amino acid with dissimilar properties. This amino acid position is conserved. In addition, this alteration is predicted to be tolerated by in silico analysis. Based on the available evidence, the clinical significance of this variant remains unclear.

NM_006231.4(POLE):c.4142A>C (p.Tyr1381Ser)

Gene: POLE (DNA polymerase epsilon, catalytic subunit; minus strand). Cytogenetic location: 12q24.33.
Variant type: single nucleotide variant.
Coding change: c.4142A>C on transcript NM_006231.4 (MANE Select); coding-DNA position 4142, A replaced by C.
Protein change: p.Tyr1381Ser; replaces tyrosine 1381 with serine.
Molecular consequence: missense variant.
Genome position (GRCh38, 1-based): chr12:132,648,936, T>G on the plus strand (A>C on the coding strand, the complement: POLE is on the minus strand). VCF-style: chr12-132648936-T-G. GRCh37 (hg19) VCF-style: chr12-133225522-T-G.
Other names: short protein forms Y1381S.
Identifiers: ClinVar variation 4862255 (VCV004862255.1).
Genomic context (GRCh38, chr12:132,648,936, plus strand): 5'-AGCCACCTCAGGCTGCCCAGATGACTGCAGAGGCAGCACCAGCTCCTCCCTACCTTGCGA[T>G]ACGAAGCACCCTCCTCCGCTTTAGCGACTCGCTGGTTCACGTAGAACACACGGGGGATGC-3'
Protein context (NP_006222.2, residues 1371-1391): RVAKAEEGAS[Tyr1381Ser]RKVNRVLPRS